The following is an entry in ClinVar:

NM_001128159.3(VPS53):c.285+156G>A

Gene: VPS53 (VPS53 subunit of GARP complex; minus strand). Cytogenetic location: 17p13.3.
Variant type: single nucleotide variant.
Coding change: c.285+156G>A on transcript NM_001128159.3 (MANE Select); 156 bases into the intron after coding-DNA position 285, G replaced by A.
Molecular consequence: intron variant.
Genome position (GRCh38, 1-based): chr17:697,262, C>T on the plus strand (G>A on the coding strand, the complement: VPS53 is on the minus strand). VCF-style: chr17-697262-C-T. GRCh37 (hg19) VCF-style: chr17-600502-C-T.
Other names: c.285+156G>A (NM_018289.4, NM_001366253.2); c.-408+156G>A (NM_001366254.2).
Identifiers: ClinVar variation 670836 (VCV000670836.2), dbSNP rs2657633, ClinGen allele CA14367680.

ClinVar aggregate classification (germline): Benign. Review status: criteria provided, multiple submitters, no conflicts (2 of 4 stars). 2 submissions from 2 submitters: Benign (2). Last evaluated 2018-06-14.

Allele frequency attached by ClinVar (database versions not stated): 1000 Genomes Project 30x 0.30621; 1000 Genomes Project 0.31110; TOPMed 0.36870; gnomAD 0.38195 and 0.38394.
gnomAD v4.1: 58,612 of 152,046 alleles (39%); highest among the groups gnomAD compares: Non-Finnish European, 52%; 13,496 homozygotes.

Submissions (2):

GeneDx
Classification: Benign. Last evaluated: 2018-06-14. Review status: criteria provided, single submitter. Criteria: GeneDx Variant Classification (06012015). Collection method: clinical testing. Allele origin: germline. Affected: yes.
Comment: This variant is considered likely benign or benign based on one or more of the following criteria: it is a conservative change, it occurs at a poorly conserved position in the protein, it is predicted to be benign by multiple in silico algorithms, and/or has population frequency not consistent with disease.

Breakthrough Genomics
Classification: Benign. Review status: criteria provided, single submitter. Criteria: ACMG Guidelines, 2015. Collection method: not provided. Allele origin: germline. Inheritance: Autosomal recessive inheritance. Affected: yes.